The following is an entry in ClinVar:

NM_030912.3(TRIM8):c.1472G>C (p.Gly491Ala)

Gene: TRIM8 (tripartite motif containing 8; plus strand). Cytogenetic location: 10q24.32.
Variant type: single nucleotide variant.
Coding change: c.1472G>C on transcript NM_030912.3 (MANE Select); coding-DNA position 1472, G replaced by C.
Protein change: p.Gly491Ala; replaces glycine 491 with alanine.
Molecular consequence: missense variant. On other transcripts: non-coding transcript variant (1).
Genome position (GRCh38, 1-based): chr10:102,657,170, G>C. VCF-style: chr10-102657170-G-C. GRCh37 (hg19) VCF-style: chr10-104416927-G-C.
Other names: c.1376G>C, p.Gly459Ala (NM_001345950.1); short protein forms G459A, G491A.
Identifiers: ClinVar variation 2026151 (VCV002026151.4), dbSNP rs2064033186, ClinGen allele CA377932694.

ClinVar aggregate classification (germline): Uncertain significance (1 of 4 stars; one submission).

Submission:

Labcorp Genetics (formerly Invitae), Labcorp
Classification: Uncertain significance. Last evaluated: 2022-08-22. Review status: criteria provided, single submitter. Criteria: Invitae Variant Classification Sherloc (09022015). Collection method: clinical testing. Allele origin: germline.
Comment: This sequence change replaces glycine, which is neutral and non-polar, with alanine, which is neutral and non-polar, at codon 491 of the TRIM8 protein (p.Gly491Ala). In summary, the available evidence is currently insufficient to determine the role of this variant in disease. Therefore, it has been classified as a Variant of Uncertain Significance. Algorithms developed to predict the effect of missense changes on protein structure and function are either unavailable or do not agree on the potential impact of this missense change (SIFT: "Deleterious"; PolyPhen-2: "Benign"; Align-GVGD: "Class C55"). This variant has not been reported in the literature in individuals affected with TRIM8-related conditions. This variant is not present in population databases (gnomAD no frequency).